The following is an entry in ClinVar:

ClinVar aggregate classification (germline): Uncertain significance. Review status: criteria provided, multiple submitters, no conflicts (2 of 4 stars). 2 submissions from 2 submitters: Uncertain significance (2). Last evaluated 2024-11-12.

Conditions:
Inborn genetic diseases. Identifiers: MedGen C0950123, MeSH D030342.

Submissions (2):

GeneDx
Classification: Uncertain significance. Last evaluated: 2024-11-12. Review status: criteria provided, single submitter. Criteria: GeneDx Variant Classification Process June 2021. Collection method: clinical testing. Allele origin: germline. Affected: yes.
Comment: Not observed at significant frequency in large population cohorts (gnomAD); In silico analysis indicates that this missense variant does not alter protein structure/function; Has not been previously published as pathogenic or benign to our knowledge

Ambry Genetics
Classification: Uncertain significance for Inborn genetic diseases. Last evaluated: 2024-10-22. Review status: criteria provided, single submitter. Criteria: Ambry Variant Classification Scheme 2023. Collection method: clinical testing. Allele origin: germline.
Comment: The c.53G>C (p.R18P) alteration is located in exon (coding exon ) of the HSPG2 gene. This alteration results from a G to C substitution at nucleotide position 53, causing the arginine (R) at amino acid position 18 to be replaced by a proline (P). Based on insufficient or conflicting evidence, the clinical significance of this alteration remains unclear.

NM_005529.7(HSPG2):c.53G>C (p.Arg18Pro)

Gene: HSPG2 (heparan sulfate proteoglycan 2; minus strand). Cytogenetic location: 1p36.12.
Variant type: single nucleotide variant.
Coding change: c.53G>C on transcript NM_005529.7 (MANE Select); coding-DNA position 53, G replaced by C.
Protein change: p.Arg18Pro; replaces arginine 18 with proline.
Molecular consequence: missense variant.
Genome position (GRCh38, 1-based): chr1:21,937,165, C>G on the plus strand (G>C on the coding strand, the complement: HSPG2 is on the minus strand). VCF-style: chr1-21937165-C-G. GRCh37 (hg19) VCF-style: chr1-22263658-C-G.
Other names: c.53G>C, p.Arg18Pro (NM_001291860.2); short protein forms R18P.
Identifiers: ClinVar variation 3527019 (VCV003527019.2).